The following is an entry in ClinVar:

NM_000359.3(TGM1):c.893T>C (p.Leu298Pro)

Gene: TGM1 (transglutaminase 1; minus strand). Cytogenetic location: 14q12.
Variant type: single nucleotide variant.
Coding change: c.893T>C on transcript NM_000359.3 (MANE Select); coding-DNA position 893, T replaced by C.
Protein change: p.Leu298Pro; replaces leucine 298 with proline.
Molecular consequence: missense variant.
Genome position (GRCh38, 1-based): chr14:24,259,795, A>G on the plus strand (T>C on the coding strand, the complement: TGM1 is on the minus strand). VCF-style: chr14-24259795-A-G. GRCh37 (hg19) VCF-style: chr14-24729001-A-G.
Other names: short protein forms L298P.
Identifiers: ClinVar variation 2124148 (VCV002124148.4), dbSNP rs2502503368, ClinGen allele CA389268856.

ClinVar aggregate classification (germline): Likely pathogenic (1 of 4 stars; one submission).

Allele frequency attached by ClinVar (database versions not stated): gnomAD exomes below 0.00001.
gnomAD v4.1: 3 of 1,613,248 alleles (0.00019%); highest among the groups gnomAD compares: Admixed American, 0.0017%; no homozygotes.

Submission:

Labcorp Genetics (formerly Invitae), Labcorp
Classification: Likely pathogenic. Last evaluated: 2024-01-30. Review status: criteria provided, single submitter. Criteria: Invitae Variant Classification Sherloc (09022015). Collection method: clinical testing. Allele origin: germline.
Comment: This sequence change replaces leucine, which is neutral and non-polar, with proline, which is neutral and non-polar, at codon 298 of the TGM1 protein (p.Leu298Pro). This variant is not present in population databases (gnomAD no frequency). This missense change has been observed in individual(s) with clinical features of congenital ichthyosis (Invitae). In at least one individual the data is consistent with being in trans (on the opposite chromosome) from a pathogenic variant. ClinVar contains an entry for this variant (Variation ID: 2124148). Advanced modeling of protein sequence and biophysical properties (such as structural, functional, and spatial information, amino acid conservation, physicochemical variation, residue mobility, and thermodynamic stability) performed at Invitae indicates that this missense variant is expected to disrupt TGM1 protein function with a positive predictive value of 95%. In summary, the currently available evidence indicates that the variant is pathogenic, but additional data are needed to prove that conclusively. Therefore, this variant has been classified as Likely Pathogenic.